The following is an entry in ClinVar:

ClinVar aggregate classification (germline): Uncertain significance (1 of 4 stars; one submission).

Conditions:
Hereditary cancer-predisposing syndrome. Also called: Neoplastic Syndromes, Hereditary; Tumor predisposition; Hereditary Cancer Syndrome; Hereditary neoplastic syndrome. Identifiers: Orphanet 140162, MedGen C0027672, MeSH D009386, MONDO:0015356.

Submission:

Ambry Genetics
Classification: Uncertain significance for Hereditary cancer-predisposing syndrome. Last evaluated: 2019-08-07. Review status: criteria provided, single submitter. Criteria: Ambry Variant Classification Scheme 2023. Collection method: clinical testing. Allele origin: germline.
Comment: The p.V1486L variant (also known as c.4456G>T), located in coding exon 29 of the ATM gene, results from a G to T substitution at nucleotide position 4456. The valine at codon 1486 is replaced by leucine, an amino acid with highly similar properties. This amino acid position is well conserved in available vertebrate species. In addition, this alteration is predicted to be tolerated by in silico analysis. Since supporting evidence is limited at this time, the clinical significance of this alteration remains unclear.

NM_000051.4(ATM):c.4456G>T (p.Val1486Leu)

Gene: ATM (ATM serine/threonine kinase; plus strand). Cytogenetic location: 11q22.3.
Variant type: single nucleotide variant.
Coding change: c.4456G>T on transcript NM_000051.4 (MANE Select); coding-DNA position 4456, G replaced by T.
Protein change: p.Val1486Leu; replaces valine 1486 with leucine.
Molecular consequence: missense variant.
Genome position (GRCh38, 1-based): chr11:108,292,638, G>T. VCF-style: chr11-108292638-G-T. GRCh37 (hg19) VCF-style: chr11-108163365-G-T.
Other names: c.4456G>T, p.Val1486Leu (NM_001351834.2); short protein forms V1486L.
Identifiers: ClinVar variation 482564 (VCV000482564.5), dbSNP rs786203352, ClinGen allele CA382533024.
Genomic context (GRCh38, chr11:108,292,638, plus strand): 5'-AACTTACTGGTTGTTGTTGTTTTTTTTTCTCCCTATATTAGGCCTTCTTGTATCATGGAT[G>T]TGTCATTACGTAGCTTCTCCCTTTGTTGTGACTTATTAAGTCAGGTTTGCCAGACAGCCG-3'
Protein context (NP_000042.3, residues 1476-1496): INQRPSCIMD[Val1486Leu]SLRSFSLCCD